The following is an entry in ClinVar:

NM_001211.6(BUB1B):c.1562C>T (p.Ser521Phe)

Gene: BUB1B (BUB1 mitotic checkpoint serine/threonine kinase B; plus strand). Cytogenetic location: 15q15.1.
Variant type: single nucleotide variant.
Coding change: c.1562C>T on transcript NM_001211.6 (MANE Select); coding-DNA position 1562, C replaced by T.
Protein change: p.Ser521Phe; replaces serine 521 with phenylalanine.
Molecular consequence: missense variant.
Genome position (GRCh38, 1-based): chr15:40,200,975, C>T. VCF-style: chr15-40200975-C-T. GRCh37 (hg19) VCF-style: chr15-40493176-C-T.
Other names: short protein forms S521F.
Identifiers: ClinVar variation 3993692 (VCV003993692.1).

ClinVar aggregate classification (germline): Uncertain significance (1 of 4 stars; one submission).

Conditions:
Inborn genetic diseases. Identifiers: MedGen C0950123, MeSH D030342.

Submission:

Ambry Genetics
Classification: Uncertain significance for Inborn genetic diseases. Last evaluated: 2025-03-22. Review status: criteria provided, single submitter. Criteria: Ambry Variant Classification Scheme 2023. Collection method: clinical testing. Allele origin: germline.
Comment: The p.S521F variant (also known as c.1562C>T), located in coding exon 12 of the BUB1B gene, results from a C to T substitution at nucleotide position 1562. The serine at codon 521 is replaced by phenylalanine, an amino acid with highly dissimilar properties. This amino acid position is conserved. In addition, this alteration is predicted to be tolerated by in silico analysis. Based on the available evidence, the clinical significance of this variant remains unclear.